The following is an entry in ClinVar:

ClinVar aggregate classification (germline): Uncertain significance (1 of 4 stars; one submission).

Conditions:
Fanconi anemia (FA). Also called: Fanconi's anemia. Identifiers: Orphanet 84, MedGen C0015625, MeSH D005199, MONDO:0019391.

gnomAD v4.1: 1 of 1,611,012 alleles (0.000062%); highest among the groups gnomAD compares: Non-Finnish European, 0.000085%; no homozygotes.

Submission:

Labcorp Genetics (formerly Invitae), Labcorp
Classification: Uncertain significance for Fanconi anemia. Last evaluated: 2022-06-09. Review status: criteria provided, single submitter. Criteria: Invitae Variant Classification Sherloc (09022015). Collection method: clinical testing. Allele origin: germline.
Comment: In summary, the available evidence is currently insufficient to determine the role of this variant in disease. Therefore, it has been classified as a Variant of Uncertain Significance. Algorithms developed to predict the effect of missense changes on protein structure and function output the following: SIFT: "Tolerated"; PolyPhen-2: "Benign"; Align-GVGD: "Class C0". The aspartic acid amino acid residue is found in multiple mammalian species, which suggests that this missense change does not adversely affect protein function. This variant has not been reported in the literature in individuals affected with FANCL-related conditions. This variant is not present in population databases (gnomAD no frequency). This sequence change replaces glutamic acid, which is acidic and polar, with aspartic acid, which is acidic and polar, at codon 250 of the FANCL protein (p.Glu250Asp).

NM_018062.4(FANCL):c.750G>C (p.Glu250Asp)

Gene: FANCL (FA complementation group L; minus strand). Cytogenetic location: 2p16.1.
Variant type: single nucleotide variant.
Coding change: c.750G>C on transcript NM_018062.4 (MANE Select); coding-DNA position 750, G replaced by C.
Protein change: p.Glu250Asp; replaces glutamic acid 250 with aspartic acid.
Molecular consequence: missense variant.
Genome position (GRCh38, 1-based): chr2:58,163,459, C>G on the plus strand (G>C on the coding strand, the complement: FANCL is on the minus strand). VCF-style: chr2-58163459-C-G. GRCh37 (hg19) VCF-style: chr2-58390594-C-G.
Other names: c.765G>C, p.Glu255Asp (NM_001114636.2); c.795G>C, p.Glu265Asp (NM_001374615.1); c.810G>C, p.Glu270Asp (NM_001410792.1); short protein forms E250D, E255D, E265D, E270D.
Identifiers: ClinVar variation 2003993 (VCV002003993.4), dbSNP rs1337676826, ClinGen allele CA346935925.